The following is an entry in ClinVar:

ClinVar aggregate classification (germline): Likely pathogenic. Review status: criteria provided, multiple submitters, no conflicts (2 of 4 stars). 2 submissions from 2 submitters: Likely pathogenic (2). Last evaluated 2023-01-21.

Conditions:
GJA8-related disorders.
Cataract 1 multiple types. Also called: CATARACT 1, NUCLEAR PROGRESSIVE; CATARACT 1 WITH MICROCORNEA; CATARACT 1, POSTERIOR SUBCAPSULAR, WITH MICROCORNEA; CATARACT 1, STELLATE NUCLEAR, WITH MICROCORNEA; CATARACT, DUFFY-LINKED; CATARACT 1, MULTIPLE TYPES, WITH OR WITHOUT MICROCORNEA. Identifiers: Orphanet 1377, MedGen C1861828, MONDO:0007285, OMIM 116200.

Submissions (2):

Dept. Genetics and Cancer, Menzies Institute for Medical Research, University of Tasmania
Classification: Likely pathogenic for Cataract 1 multiple types. Last evaluated: 2023-01-21. Review status: criteria provided, single submitter. Criteria: ACMG Guidelines, 2015. Collection method: curation. Allele origin: germline. Affected: yes.
Comment: Variant identified and curated during a GJA8 specific review of the literature in relation to pediatric or congenital cataract. ACMG-AMP criteria applied: PS3, PM1(Supporting), PM2(Supporting), PP3. Original variant report: PMID:34722561. The cataract phenotype reported for this variant is: Nuclear with Y-sutural. Gene review and curation guidelines are outlined in: DOI 10.1080/17469899.2023.2160320

Blueprint Genetics
Classification: Likely pathogenic for GJA8-related disorders. Last evaluated: 2020-01-20. Review status: criteria provided, single submitter. Criteria: ACMG Guidelines, 2015. Collection method: clinical testing. Allele origin: germline. Affected: yes. Observed: 1 variant allele.

Literature cited by the submitters: PubMed 34722561 (cited by Dept. Genetics and Cancer, Menzies Institute for Medical Research, University of Tasmania).

NM_005267.5(GJA8):c.64G>C (p.Gly22Arg)

Gene: GJA8 (gap junction protein alpha 8; plus strand). Cytogenetic location: 1q21.2.
Variant type: single nucleotide variant.
Coding change: c.64G>C on transcript NM_005267.5 (MANE Select); coding-DNA position 64, G replaced by C.
Protein change: p.Gly22Arg; replaces glycine 22 with arginine.
Molecular consequence: missense variant.
Genome position (GRCh38, 1-based): chr1:147,908,019, G>C. VCF-style: chr1-147908019-G-C. GRCh37 (hg19) VCF-style: chr1-147380146-G-C.
Other names: short protein forms G22R.
Identifiers: ClinVar variation 3253707 (VCV003253707.2), dbSNP rs2149015335.